The following is an entry in ClinVar:

ClinVar aggregate classification (germline): Pathogenic (1 of 4 stars; one submission).

Conditions:
Joubert syndrome and related disorders. Identifiers: Orphanet 140874, MedGen C5679612, MONDO:0015369.

Submission:

Myriad Genetics, Inc.
Classification: Pathogenic for Joubert syndrome and related disorders. Last evaluated: 2025-09-24. Review status: criteria provided, single submitter. Criteria: Myriad Autosomal Dominant, Autosomal Recessive and X-Linked Classification Criteria (2023). Collection method: clinical testing. Allele origin: unknown.
Comment: NM_001080522.2(CC2D2A):c.4443delA(E1482Sfs*2) is expected to be pathogenic in the context of CC2D2A-related disorders. This variant is predicted to lead to an abnormal or absent protein product due to the creation of a premature termination codon in CC2D2A, a gene where loss-of-function variants are known to be pathogenic. Please note: this variant was assessed in the context of healthy population screening.

NM_001378615.1(CC2D2A):c.4443del (p.Glu1482fs)

Genes: CC2D2A (coiled-coil and C2 domain containing 2A; plus strand), FBXL5 (F-box and leucine rich repeat protein 5; minus strand). Cytogenetic location: 4p15.32.
Variant type: Deletion.
Coding change: c.4443del on transcript NM_001378615.1 (MANE Select); coding-DNA position 4443, one base deleted (A; older notation c.4443delA).
Protein change: p.Glu1482fs; shifts the reading frame from glutamic acid 1482.
Molecular consequence: frameshift variant.
Genome position (GRCh38, 1-based): chr4:15,597,412, A deleted; the last of 2 consecutive A bases (chr4:15,597,411-15,597,412); deleting either gives the same sequence. VCF-style (leftmost placement, unchanged base first): chr4-15597410-GA-G. GRCh37 (hg19) VCF-style: chr4-15599033-GA-G.
Other names: c.4443del, p.Glu1482fs (NM_001080522.2); c.4296del, p.Glu1433fs (NM_001378617.1); short protein forms E1433fs, E1482fs.
Identifiers: ClinVar variation 5015020 (VCV005015020.1).
Genomic context (GRCh38, chr4:15,597,410, plus strand): 5'-TGTTCAAATTAACTGTAGGTGATTTTTATACTTTCTGAACTATTTTCTCTTCTATAGCCT[GA>G]AGAGCTAATTTACCAGCGCTCAGACAAAGCAGCTGCAGCTGAGCTACAAGACAGGTAACA-3'